The following is an entry in ClinVar:

ClinVar aggregate classification (germline): Uncertain significance (1 of 4 stars; one submission).

Conditions:
THOC2-related disorder. Also called: THOC2-related condition.

Submission:

PreventionGenetics, part of Exact Sciences
Classification: Uncertain significance for THOC2-related condition. Last evaluated: 2023-02-20. Review status: criteria provided, single submitter. Criteria: ACMG Guidelines, 2015. Collection method: clinical testing. Allele origin: germline.
Comment: The THOC2 c.3110G>A variant is predicted to result in the amino acid substitution p.Ser1037Asn. To our knowledge, this variant has not been reported in the literature or in a large population database, indicating this variant is rare. At this time, the clinical significance of this variant is uncertain due to the absence of conclusive functional and genetic evidence.

NM_001081550.2(THOC2):c.3110G>A (p.Ser1037Asn)

Gene: THOC2 (THO complex subunit 2; minus strand). Cytogenetic location: Xq25.
Variant type: single nucleotide variant.
Coding change: c.3110G>A on transcript NM_001081550.2 (MANE Select); coding-DNA position 3110, G replaced by A.
Protein change: p.Ser1037Asn; replaces serine 1037 with asparagine.
Molecular consequence: missense variant.
Genome position (GRCh38, 1-based): chrX:123,624,617, C>T on the plus strand (G>A on the coding strand, the complement: THOC2 is on the minus strand). VCF-style: chrX-123624617-C-T. GRCh37 (hg19) VCF-style: chrX-122758468-C-T.
Other names: short protein forms S1037N.
Identifiers: ClinVar variation 2630483 (VCV002630483.1), dbSNP rs2521010862, ClinGen allele CA414265235.